The following is an entry in ClinVar:

ClinVar aggregate classification (germline): Uncertain significance (1 of 4 stars; one submission).

Submission:

Ambry Genetics
Classification: Uncertain significance. Last evaluated: 2023-01-26. Review status: criteria provided, single submitter. Criteria: Ambry Variant Classification Scheme 2023. Collection method: clinical testing. Allele origin: germline.
Comment: The p.A21T variant (also known as c.61G>A), located in coding exon 2 of the NQO1 gene, results from a G to A substitution at nucleotide position 61. The alanine at codon 21 is replaced by threonine, an amino acid with similar properties. This amino acid position is conserved. In addition, the in silico prediction for this alteration is inconclusive. Since supporting evidence is limited at this time, the clinical significance of this alteration remains unclear.

NM_000903.3(NQO1):c.61G>A (p.Ala21Thr)

Gene: NQO1 (NAD(P)H quinone dehydrogenase 1; minus strand). Cytogenetic location: 16q22.1.
Variant type: single nucleotide variant.
Coding change: c.61G>A on transcript NM_000903.3 (MANE Select); coding-DNA position 61, G replaced by A.
Protein change: p.Ala21Thr; replaces alanine 21 with threonine.
Molecular consequence: missense variant.
Genome position (GRCh38, 1-based): chr16:69,718,481, C>T on the plus strand (G>A on the coding strand, the complement: NQO1 is on the minus strand). VCF-style: chr16-69718481-C-T. GRCh37 (hg19) VCF-style: chr16-69752384-C-T.
Other names: c.61G>A, p.Ala21Thr (NM_001025433.2, NM_001025434.2, NM_001286137.2); short protein forms A21T.
Identifiers: ClinVar variation 2497605 (VCV002497605.2), dbSNP rs2544333513, ClinGen allele CA396491922.